The following is an entry in ClinVar:

ClinVar aggregate classification (germline): Uncertain significance. Review status: criteria provided, single submitter (1 of 4 stars). 2 submissions from 2 submitters: Uncertain significance (1). 1 of the submissions does not count toward it. Last evaluated 2025-03-31.

Conditions:
Cohen syndrome (COH1). Also called: Cutis verticis gyrata, retinitis pigmentosa, and sensorineural deafness; PEPPER SYNDROME. Identifiers: Orphanet 193, MedGen C0265223, MONDO:0008999, OMIM 216550.
VPS13B-related disorder. Also called: VPS13B-related condition.

Allele frequency attached by ClinVar (database versions not stated): gnomAD exomes below 0.00001; TOPMed below 0.00001.
gnomAD v4.1: 4 of 1,613,616 alleles (0.00025%); highest among the groups gnomAD compares: African/African-American, 0.0053%; no homozygotes.

Submissions (2):

Labcorp Genetics (formerly Invitae), Labcorp
Classification: Uncertain significance for Cohen syndrome. Last evaluated: 2025-03-31. Review status: criteria provided, single submitter. Criteria: Invitae Variant Classification Sherloc (09022015). Collection method: clinical testing. Allele origin: germline.
Comment: This sequence change replaces leucine, which is neutral and non-polar, with methionine, which is neutral and non-polar, at codon 1714 of the VPS13B protein (p.Leu1714Met). This variant is present in population databases (rs192416968, gnomAD 0.007%). This variant has not been reported in the literature in individuals affected with VPS13B-related conditions. ClinVar contains an entry for this variant (Variation ID: 2062402). Invitae Evidence Modeling of protein sequence and biophysical properties (such as structural, functional, and spatial information, amino acid conservation, physicochemical variation, residue mobility, and thermodynamic stability) indicates that this missense variant is not expected to disrupt VPS13B protein function with a negative predictive value of 80%. In summary, the available evidence is currently insufficient to determine the role of this variant in disease. Therefore, it has been classified as a Variant of Uncertain Significance.

PreventionGenetics, part of Exact Sciences
Classification: Uncertain significance for VPS13B-related condition. Last evaluated: 2024-07-10. Review status: no assertion criteria provided. Collection method: clinical testing. Allele origin: germline. Not counted in ClinVar's aggregate classification.
Comment: The VPS13B c.5065T>A variant is predicted to result in the amino acid substitution p.Leu1689Met. To our knowledge, this variant has not been reported in the literature or in a large population database, indicating this variant is rare. At this time, the clinical significance of this variant is uncertain due to the absence of conclusive functional and genetic evidence.

NM_152564.5(VPS13B):c.5065T>A (p.Leu1689Met)

Gene: VPS13B (vacuolar protein sorting 13 homolog B; plus strand). Cytogenetic location: 8q22.2.
Variant type: single nucleotide variant.
Coding change: c.5065T>A on transcript NM_152564.5 (MANE Select); coding-DNA position 5065, T replaced by A.
Protein change: p.Leu1689Met; replaces leucine 1689 with methionine.
Molecular consequence: missense variant.
Genome position (GRCh38, 1-based): chr8:99,575,773, T>A. VCF-style: chr8-99575773-T-A. GRCh37 (hg19) VCF-style: chr8-100588001-T-A.
Other names: c.5140T>A, p.Leu1714Met (NM_017890.5); short protein forms L1689M, L1714M.
Identifiers: ClinVar variation 2062402 (VCV002062402.3), dbSNP rs192416968, ClinGen allele CA182998664.